The following is an entry in ClinVar:

NM_000070.3(CAPN3):c.1333G>A (p.Gly445Arg)

Gene: CAPN3 (calpain 3; plus strand). Cytogenetic location: 15q15.1.
Variant type: single nucleotide variant.
Coding change: c.1333G>A on transcript NM_000070.3 (MANE Select); coding-DNA position 1333, G replaced by A.
Protein change: p.Gly445Arg; replaces glycine 445 with arginine.
Molecular consequence: missense variant.
Genome position (GRCh38, 1-based): chr15:42,399,631, G>A. VCF-style: chr15-42399631-G-A. GRCh37 (hg19) VCF-style: chr15-42691829-G-A.
Other names: NM_000070.3(CAPN3):c.1333G>A; c.1333G>A, p.Gly445Arg (NM_024344.2); c.1189G>A, p.Gly397Arg (NM_173087.2); short protein forms G445R, G397R.
Identifiers: ClinVar variation 284515 (VCV000284515.56), dbSNP rs773827877, ClinGen allele CA7511320.
Genomic context (GRCh38, chr15:42,399,631, plus strand): 5'-AAGCTTCAGACCTGGACAGTGTCTGTGAACGAGGGCCGCTGGGTACGGGGTTGCTCTGCC[G>A]GAGGCTGCCGCAACTTCCCAGGTGGGAGATGCTCTTGATGGGGGGAGGGTCTAAGCCGAA-3'
Protein context (NP_000061.1, residues 435-455): EGRWVRGCSA[Gly445Arg]GCRNFPDTFW

ClinVar aggregate classification (germline): Pathogenic. Review status: reviewed by expert panel (3 of 4 stars). 15 submissions from 15 submitters: Pathogenic (1). 14 of the submissions do not count toward it. Last evaluated 2026-05-01.

Conditions:
Autosomal recessive limb-girdle muscular dystrophy. Identifiers: Orphanet 102015, MedGen C2931907, MONDO:0015152.
Muscular dystrophy, limb-girdle, autosomal dominant 4. Also called: Calpain-3-related limb-girdle muscular dystrophy D4; MUSCULAR DYSTROPHY, LIMB-GIRDLE, TYPE 1I. Identifiers: Orphanet 565909, MedGen C4748295, MONDO:0029133, OMIM 618129.
Autosomal recessive limb-girdle muscular dystrophy type 2A (LGMDR1). Also called: Limb-girdle muscular dystrophy, type 2A; Calpainopathy; Muscular dystrophy, limb-girdle, type 2A, Amish; LEYDEN-MOEBIUS MUSCULAR DYSTROPHY; MUSCULAR DYSTROPHY, PELVOFEMORAL. Identifiers: Orphanet 267, MedGen C1869123, MONDO:0009675, OMIM 253600. Disease mechanism: loss of function.

Allele frequency attached by ClinVar (database versions not stated): TOPMed below 0.00001.
gnomAD v4.1: 5 of 1,605,606 alleles (0.00031%); highest among the groups gnomAD compares: Non-Finnish European, 0.00043%; no homozygotes.

Submissions 1 to 9 of 15:

ClinGen Limb Girdle Muscular Dystrophy Variant Curation Expert Panel, ClinGen
Classification: Pathogenic for Autosomal recessive limb-girdle muscular dystrophy. Last evaluated: 2026-05-01. Review status: reviewed by expert panel. Criteria: ClinGen LGMD VCEP ACMG Specifications CAPN3 V2.0.0. Collection method: curation. Allele origin: germline. Inheritance: Autosomal recessive inheritance.
Comment: The NM_000070.3: c.1333G>A variant in CAPN3 is a missense variant predicted to cause substitution of glycine by arginine at amino acid 445 (p.Gly445Arg). This variant has been detected in 6 unrelated patients with LGMD (PMID: 28403181, 38494715, 30919934, 26301378, 34720847), including in a homozygous state in one patient without reported familial consanguinity (0.5 pts, PMID: 30919934), confirmed in trans with a likely pathogenic or pathogenic variant in two patients (c.1746-20G>C, 1.0 pts, PMID: 34720847; c.1505T>C p.(Ile502Thr), 1.0 pt, PMID: 34720847), and in unconfirmed phase with a pathogenic variant in another patient (c.1746-20G>C, 0.5 pts, PMID: 26301378) (PM3_Strong). At least one patient with this variant displayed progressive limb girdle muscle weakness and low calpain-3 protein expression, which is specific for CAPN3-related LGMD (PP4_Moderate; PMID: 34720847). This variant has also been reported to co-segregate with autosomal recessive LGMD in two affected family members from one family (PMID: 30919934; PP1_Moderate). In one individual with LGMD, this variant was identified as a de novo occurrence with confirmed parental relationships (PS2_Supporting; PMID: 38494715). The upper bound of the 95% confidence interval of the Grpmax variant allele frequency is 0.0000089 in gnomAD v4.1.1 (5/1175210 European (non-Finnish) chromosomes), which is lower than the ClinGen LGMD VCEP threshold (0.0001) for PM2_Supporting, and therefore meets this criterion (PM2_Supporting). The computational predictor REVEL gives a score of 0.993, which is above the LGMD VCEP threshold of 0.70, evidence that correlates with impact to CAPN3 function (PP3). In summary, this variant meets the criteria to be classified as Pathogenic for autosomal recessive limb girdle muscular dystrophy based on the ACMG/AMP criteria applied, as specified by the ClinGen LGMD VCEP (specifications v2.0.0; 05/01/2026): PM3_Strong, PP4_Moderate, PP1_Moderate, PS2_Supporting, PM2_Supporting, PP3.

Labcorp Genetics (formerly Invitae), Labcorp
Classification: Pathogenic for Autosomal recessive limb-girdle muscular dystrophy type 2A. Last evaluated: 2025-10-02. Review status: criteria provided, single submitter. Criteria: Invitae Variant Classification Sherloc (09022015). Collection method: clinical testing. Allele origin: germline. Not counted in ClinVar's aggregate classification.
Comment: This sequence change replaces glycine, which is neutral and non-polar, with arginine, which is basic and polar, at codon 445 of the CAPN3 protein (p.Gly445Arg). The frequency data for this variant in the population databases is considered unreliable, as metrics indicate poor data quality at this position in the gnomAD database. This missense change has been observed in individuals with autosomal dominant limb-girdle muscular dystrophy (PMID: 10330340, 15221789, 17236769, 18854869; internal data). It has also been observed to segregate with disease in related individuals. ClinVar contains an entry for this variant (Variation ID: 284515). Invitae Evidence Modeling of protein sequence and biophysical properties (such as structural, functional, and spatial information, amino acid conservation, physicochemical variation, residue mobility, and thermodynamic stability) indicates that this missense variant is expected to disrupt CAPN3 protein function with a positive predictive value of 80%. Experimental studies have shown that this missense change affects CAPN3 function (PMID: 15221789, 17236769, 20635405). For these reasons, this variant has been classified as Pathogenic.

Revvity Omics, Revvity
Classification: Pathogenic. Last evaluated: 2025-07-11. Review status: criteria provided, single submitter. Criteria: ACMG Guidelines, 2015. Collection method: clinical testing. Allele origin: germline. Not counted in ClinVar's aggregate classification.

CeGaT Center for Human Genetics Tuebingen
Classification: Pathogenic. Last evaluated: 2025-06-01. Review status: criteria provided, single submitter. Criteria: CeGaT Center For Human Genetics Tuebingen Variant Classification Criteria Version 2. Collection method: clinical testing. Allele origin: germline. Affected: yes. Observed: 3 variant alleles. Not counted in ClinVar's aggregate classification.
Comment: CAPN3: PP1:Strong, PS1, PM1, PM2:Supporting, PP3, PS3:Supporting

Centre of Medical Genetics, University Hospital Muenster
Classification: Likely pathogenic for Muscular dystrophy, limb-girdle, autosomal dominant 4. Last evaluated: 2025-02-27. Review status: criteria provided, single submitter. Criteria: ACMG Guidelines, 2015. Collection method: clinical testing. Allele origin: unknown. Affected: yes. Observed: 1 variant allele, 1 heterozygote. Not counted in ClinVar's aggregate classification.
Comment: ACMG categories: PS1,PS3_mod,PP3

3billion
Classification: Likely pathogenic for Autosomal recessive limb-girdle muscular dystrophy type 2A. Last evaluated: 2024-10-07. Review status: criteria provided, single submitter. Criteria: ACMG Guidelines, 2015. Collection method: clinical testing. Allele origin: germline. Affected: yes. Not counted in ClinVar's aggregate classification.
Comment: The variant is observed at an extremely low frequency in the gnomAD v4.1.0 dataset (total allele frequency: <0.001%). Predicted Consequence/Location: Missense variant In silico tool predictions suggest damaging effect of the variant on gene or gene product [REVEL: 0.99 (>=0.6, sensitivity 0.68 and specificity 0.92); 3Cnet: 0.99 (>=0.6, sensitivity 0.72 and precision 0.9)]. The same nucleotide change resulting in the same amino acid change has been previously reported as pathogenic/likely pathogenic with strong evidence (ClinVar ID: VCV000284515 /PMID: 10330340). Therefore, this variant is classified as Likely pathogenic according to the recommendation of ACMG/AMP guideline.

Natera, Inc.
Classification: Pathogenic for Limb-girdle muscular dystrophy type 2A. Last evaluated: 2024-08-01. Review status: criteria provided, single submitter. Criteria: Natera Variant Classification Schema (03/2026). Collection method: clinical testing. Allele origin: germline. Not counted in ClinVar's aggregate classification.
Comment: The c.1333G>A variant in CAPN3 is a missense variant predicted to cause substitution of glycine to arginine at amino acid 445. This variant is rare in the general population with a frequency below the threshold expected for the associated phenotype(s). This variant has been observed in one or more individuals affected with the associated recessive disease, as either homozygous or compound heterozygous with a second variant (PMID: 30919934, 28403181). Given the available evidence, this variant is classified as Pathogenic.

Baylor Genetics
Classification: Pathogenic for Muscular dystrophy, limb-girdle, autosomal dominant 4. Last evaluated: 2023-10-02. Review status: criteria provided, single submitter. Criteria: ACMG Guidelines, 2015. Collection method: clinical testing. Allele origin: unknown. Not counted in ClinVar's aggregate classification.

Athena Diagnostics
Classification: Pathogenic. Last evaluated: 2022-11-03. Review status: criteria provided, single submitter. Criteria: Athena Diagnostics Criteria. Collection method: clinical testing. Allele origin: unknown. Not counted in ClinVar's aggregate classification.
Comment: The frequency of this variant in the general population is consistent with pathogenicity. This variant has been seen in multiple individuals with apparently autosomal recessive LGMD (PMID: 10330340, 17994539, 20635405). It has also been reported to segregate with autosomal dominant LGMD in several families (PMID: 32342993). Experiments in patient-derived samples showed absence or significant reduction in CAPN3 protein level/activity in multiple patients.